The following is an entry in ClinVar:

NM_015072.5(TTLL5):c.585T>C (p.Asn195=)

Gene: TTLL5 (tubulin tyrosine ligase like 5; plus strand). Cytogenetic location: 14q24.3.
Variant type: single nucleotide variant.
Coding change: c.585T>C on transcript NM_015072.5 (MANE Select); coding-DNA position 585, T replaced by C.
Protein change: p.Asn195=; no amino-acid change (asparagine 195 retained).
Molecular consequence: synonymous variant.
Genome position (GRCh38, 1-based): chr14:75,699,270, T>C. VCF-style: chr14-75699270-T-C. GRCh37 (hg19) VCF-style: chr14-76165613-T-C.
Identifiers: ClinVar variation 3771560 (VCV003771560.13).

ClinVar aggregate classification (germline): Likely benign (1 of 4 stars; one submission).

gnomAD v4.1: 35 of 1,613,510 alleles (0.0022%); highest among the groups gnomAD compares: Non-Finnish European, 0.0025%; no homozygotes.

Submission:

CeGaT Center for Human Genetics Tuebingen
Classification: Likely benign. Last evaluated: 2025-01-01. Review status: criteria provided, single submitter. Criteria: CeGaT Center For Human Genetics Tuebingen Variant Classification Criteria Version 2. Collection method: clinical testing. Allele origin: germline. Affected: yes. Observed: 1 variant allele.
Comment: TTLL5: BP4, BP7